The following is an entry in ClinVar:

ClinVar aggregate classification (germline): Conflicting classifications of pathogenicity. Review status: criteria provided, conflicting classifications (1 of 4 stars). 7 submissions from 7 submitters: Pathogenic (1); Uncertain significance (5). 1 of the submissions does not count toward it. Last evaluated 2025-08-06.

Conditions:
RYR1-related disorder. Also called: RYR1-related disorders; RYR1-related condition. Identifiers: MedGen CN239331.
Myopathy, RYR1-associated.
Malignant hyperthermia, susceptibility to, 1 (MHS1). Also called: Anesthesia related hyperthermia; Malignant hyperpyrexia; Fulminating hyperpyrexia; Pharmacogenic myopathy; RYR1-Related Malignant Hyperthermia Susceptibility; Malignant hyperthermia suceptibility 1. Identifiers: Orphanet 423, MedGen C2930980, MONDO:0007783, OMIM 145600.

Allele frequency attached by ClinVar (database versions not stated): gnomAD exomes below 0.00001 and 0.00001; ExAC 0.00002; TOPMed 0.00002; gnomAD 0.00003; ESP Exome Variant Server 0.00008.
gnomAD v4.1: 8 of 1,613,072 alleles (0.0005%); highest among the groups gnomAD compares: African/African-American, 0.0027%; no homozygotes.

Submissions (7):

Labcorp Genetics (formerly Invitae), Labcorp
Classification: Pathogenic for RYR1-related disorder. Last evaluated: 2025-08-06. Review status: criteria provided, single submitter. Criteria: Invitae Variant Classification Sherloc (09022015). Collection method: clinical testing. Allele origin: germline.
Comment: This sequence change replaces arginine, which is basic and polar, with histidine, which is basic and polar, at codon 1707 of the RYR1 protein (p.Arg1707His). The frequency data for this variant in the population databases is considered unreliable, as metrics indicate poor data quality at this position in the gnomAD database. This missense change has been observed in individual(s) with autosomal recessive RYR1-related myopathy (PMID: 23919265; internal data). In at least one individual the data is consistent with being in trans (on the opposite chromosome) from a pathogenic variant. It has also been observed to segregate with disease in related individuals. ClinVar contains an entry for this variant (Variation ID: 161373). Invitae Evidence Modeling of protein sequence and biophysical properties (such as structural, functional, and spatial information, amino acid conservation, physicochemical variation, residue mobility, and thermodynamic stability) indicates that this missense variant is expected to disrupt RYR1 protein function with a positive predictive value of 80%. For these reasons, this variant has been classified as Pathogenic.

Color Diagnostics, LLC DBA Color Health
Classification: Uncertain significance for Malignant hyperthermia, susceptibility to, 1. Last evaluated: 2025-06-10. Review status: criteria provided, single submitter. Criteria: ACMG Guidelines, 2015. Collection method: clinical testing. Allele origin: germline.
Comment: This missense variant replaces arginine with histidine at codon 1707 of the RYR1 protein. Computational prediction suggests that this variant may have deleterious impact on protein structure and function. To our knowledge, functional studies have not been reported for this variant. This variant has not been reported in individuals affected with autosomal dominant malignant hyperthermia susceptibility in the literature, although it is associated with other phenotype(s) (ClinVar Variation ID: 161373). This variant has been identified in 2/246648 chromosomes in the general population by the Genome Aggregation Database (gnomAD). Due to insufficient evidence, this variant is classified as a Variant of Uncertain Significance for autosomal dominant malignant hyperthermia.

Revvity Omics, Revvity
Classification: Uncertain significance. Last evaluated: 2024-03-05. Review status: criteria provided, single submitter. Criteria: ACMG Guidelines, 2015. Collection method: clinical testing. Allele origin: germline.

All of Us Research Program, National Institutes of Health
Classification: Uncertain significance for Malignant hyperthermia, susceptibility to, 1. Last evaluated: 2023-11-20. Review status: criteria provided, single submitter. Criteria: ACMG Guidelines, 2015. Collection method: clinical testing. Allele origin: germline. Inheritance: Autosomal dominant inheritance. Observed: 5 variant alleles, 5 heterozygotes.
Comment: This missense variant replaces arginine with histidine at codon 1707 of the RYR1 protein. Computational prediction suggests that this variant may have deleterious impact on protein structure and function (internally defined REVEL score threshold >= 0.7, PMID: 27666373). To our knowledge, functional studies have not been reported for this variant. This variant has not been reported in individuals affected with autosomal dominant malignant hyperthermia susceptibility in the literature, although it is associated with other phenotype(s) (ClinVar Variation ID: 161373). This variant has been identified in 2/246648 chromosomes in the general population by the Genome Aggregation Database (gnomAD). Due to insufficient evidence, this variant is classified as a Variant of Uncertain Significance for autosomal dominant malignant hyperthermia.

This study involves interpretation of variants in research participants for the purpose of population health screening. Participant phenotype was not available at the time of variant classification. Additional details can be found in publication PMID: 35346344, PMCID: PMC8962531

Eurofins Ntd Llc (ga)
Classification: Uncertain significance. Last evaluated: 2016-09-02. Review status: criteria provided, single submitter. Criteria: EGL Classification Definitions 2015. Collection method: clinical testing. Allele origin: germline. Observed: 1 variant allele, 1 heterozygote.

PreventionGenetics, part of Exact Sciences
Classification: Uncertain significance. Last evaluated: 2015-05-26. Review status: criteria provided, single submitter. Criteria: ACMG Guidelines, 2015. Collection method: clinical testing. Allele origin: germline.

CSER _CC_NCGL, University of Washington
Classification: Uncertain significance for Myopathy, RYR1-associated. Last evaluated: 2014-06-01. Review status: no assertion criteria provided. Collection method: research. Allele origin: germline. Inheritance: Autosomal dominant inheritance. Study: ESP 6500 variant annotation. Not counted in ClinVar's aggregate classification.
Comment: Variants classified for the Actionable exomic incidental findings in 6503 participants: challenges of variant classification manuscript

Literature cited by the submitters: PubMed 23919265 (cited by Labcorp Genetics (formerly Invitae), Labcorp).

NM_000540.3(RYR1):c.5120G>A (p.Arg1707His)

Gene: RYR1 (ryanodine receptor 1; plus strand). Cytogenetic location: 19q13.2.
Variant type: single nucleotide variant.
Coding change: c.5120G>A on transcript NM_000540.3 (MANE Select); coding-DNA position 5120, G replaced by A.
Protein change: p.Arg1707His; replaces arginine 1707 with histidine.
Molecular consequence: missense variant.
Genome position (GRCh38, 1-based): chr19:38,485,775, G>A. VCF-style: chr19-38485775-G-A. GRCh37 (hg19) VCF-style: chr19-38976415-G-A.
Other names: c.5120G>A, p.Arg1707His (NM_001042723.2); short protein forms R1707H.
Identifiers: ClinVar variation 161373 (VCV000161373.19), dbSNP rs371566475, ClinGen allele CA024486.
Genomic context (GRCh38, chr19:38,485,775, plus strand): 5'-ACGTAGACCAAGCTCAGCTGCTGCACGCCCTGGAGGACGCGCACCTGCCAGGCCCACTGC[G>A]CGCAGGCTACTATGACCTCCTCATCAGCATCCACCTCGAAAGTGCCTGCCGCAGCCGCCG-3'
Protein context (NP_000531.2, residues 1697-1717): LEDAHLPGPL[Arg1707His]AGYYDLLISI